The following is an entry in ClinVar:

NM_007192.4(SUPT16H):c.1194C>T (p.Thr398=)

Gene: SUPT16H (SPT16 homolog, facilitates chromatin remodeling subunit; minus strand). Cytogenetic location: 14q11.2.
Variant type: single nucleotide variant.
Coding change: c.1194C>T on transcript NM_007192.4 (MANE Select); coding-DNA position 1194, C replaced by T.
Protein change: p.Thr398=; no amino-acid change (threonine 398 retained).
Molecular consequence: synonymous variant.
Genome position (GRCh38, 1-based): chr14:21,364,866, G>A on the plus strand (C>T on the coding strand, the complement: SUPT16H is on the minus strand). VCF-style: chr14-21364866-G-A. GRCh37 (hg19) VCF-style: chr14-21833025-G-A.
Identifiers: ClinVar variation 3049512 (VCV003049512.7), dbSNP rs573962326, ClinGen allele CA7090167.
Genomic context (GRCh38, chr14:21,364,866, plus strand): 5'-AAGTTTAGACACAATACACACCTCATCCACAAGCACTGTGTCACCAATGAACAGGGCATA[G>A]GTTTTCTCTTCTGGCTTTTTCCCCTCCTTGTTAGTCAGGTCTGAGAATCCTAAATTGATG-3'
Protein context (NP_009123.1, residues 388-408): NKEGKKPEEK[Thr398=]YALFIGDTVL

ClinVar aggregate classification (germline): Likely benign. Review status: criteria provided, multiple submitters, no conflicts (2 of 4 stars). 3 submissions from 3 submitters: Likely benign (2). 1 of the submissions does not count toward it. Last evaluated 2026-02-01.

Conditions:
SUPT16H-related disorder. Also called: SUPT16H-related condition.

Allele frequency attached by ClinVar (database versions not stated): TOPMed 0.00004; 1000 Genomes Project 30x 0.00016; 1000 Genomes Project 0.00020; gnomAD exomes 0.00038; ExAC 0.00078; gnomAD 0.00086.
gnomAD v4.1: 691 of 1,612,972 alleles (0.043%); highest among the groups gnomAD compares: Middle Eastern, 0.02%; 2 homozygotes.

Submissions (3):

CeGaT Center for Human Genetics Tuebingen
Classification: Likely benign. Last evaluated: 2026-02-01. Review status: criteria provided, single submitter. Criteria: CeGaT Center For Human Genetics Tuebingen Variant Classification Criteria Version 2. Collection method: clinical testing. Allele origin: germline. Affected: yes. Observed: 1 variant allele.
Comment: SUPT16H: BP4, BP7

Blueprint Genetics
Classification: Likely benign. Last evaluated: 2024-11-08. Review status: criteria provided, single submitter. Criteria: ACMG Guidelines, 2015. Collection method: clinical testing. Allele origin: germline.

PreventionGenetics, part of Exact Sciences
Classification: Benign for SUPT16H-related condition. Last evaluated: 2019-07-09. Review status: no assertion criteria provided. Collection method: clinical testing. Allele origin: germline. Not counted in ClinVar's aggregate classification.
Comment: This variant is classified as benign based on ACMG/AMP sequence variant interpretation guidelines (Richards et al. 2015 PMID: 25741868, with internal and published modifications).